The following is an entry in ClinVar:

NM_016065.4(MRPS16):c.14C>T (p.Thr5Ile)

Genes: DNAJC9-AS1 (DNAJC9 and MRPS16 antisense RNA 1; plus strand), MRPS16 (mitochondrial ribosomal protein S16; minus strand). Cytogenetic location: 10q22.2.
Variant type: single nucleotide variant.
Coding change: c.14C>T on transcript NM_016065.4 (MANE Select); coding-DNA position 14, C replaced by T.
Protein change: p.Thr5Ile; replaces threonine 5 with isoleucine.
Molecular consequence: missense variant.
Genome position (GRCh38, 1-based): chr10:73,252,023, G>A on the plus strand (C>T on the coding strand, the complement: MRPS16 is on the minus strand). VCF-style: chr10-73252023-G-A. GRCh37 (hg19) VCF-style: chr10-75011781-G-A.
Other names: c.14C>T, p.Thr5Ile (NM_001410935.1); short protein forms T5I.
Identifiers: ClinVar variation 2833665 (VCV002833665.3), dbSNP rs2493362287, ClinGen allele CA377193643.
Genomic context (GRCh38, chr10:73,252,023, plus strand): 5'-CCACCCAGGGCAAGGCGGATGGTTAAGTGGCCCCCACGGTAGGCCTTGCAGAGGAGAGTA[G>A]CTGTAGAAAAGCAGCTGGTTAGGACACAAAAAACAGCACAAAAAGGACAAAATGACACAG-3'
Protein context (NP_057149.1, residues 1-15): MVHL[Thr5Ile]TLLCKAYRGG

ClinVar aggregate classification (germline): Uncertain significance (1 of 4 stars; one submission).

Submission:

Labcorp Genetics (formerly Invitae), Labcorp
Classification: Uncertain significance. Last evaluated: 2023-02-08. Review status: criteria provided, single submitter. Criteria: Invitae Variant Classification Sherloc (09022015). Collection method: clinical testing. Allele origin: germline.
Comment: Algorithms developed to predict the effect of missense changes on protein structure and function (SIFT, PolyPhen-2, Align-GVGD) all suggest that this variant is likely to be tolerated. This variant has not been reported in the literature in individuals affected with MRPS16-related conditions. This variant is not present in population databases (gnomAD no frequency). This sequence change replaces threonine, which is neutral and polar, with isoleucine, which is neutral and non-polar, at codon 5 of the MRPS16 protein (p.Thr5Ile). In summary, the available evidence is currently insufficient to determine the role of this variant in disease. Therefore, it has been classified as a Variant of Uncertain Significance.